The following is an entry in ClinVar:

ClinVar aggregate classification (germline): Uncertain significance (1 of 4 stars; one submission).

Conditions:
Paroxysmal nonkinesigenic dyskinesia. Also called: Paroxysmal non-kinesigenic dyskinesia. Identifiers: Orphanet 98810, MedGen C1869117, MONDO:0700088.

Submission:

Labcorp Genetics (formerly Invitae), Labcorp
Classification: Uncertain significance for Paroxysmal nonkinesigenic dyskinesia. Last evaluated: 2022-06-18. Review status: criteria provided, single submitter. Criteria: Invitae Variant Classification Sherloc (09022015). Collection method: clinical testing. Allele origin: germline.
Comment: This sequence change replaces leucine, which is neutral and non-polar, with proline, which is neutral and non-polar, at codon 257 of the PNKD protein (p.Leu257Pro). This variant is not present in population databases (gnomAD no frequency). This variant has not been reported in the literature in individuals affected with PNKD-related conditions. Algorithms developed to predict the effect of missense changes on protein structure and function are either unavailable or do not agree on the potential impact of this missense change (SIFT: "Deleterious"; PolyPhen-2: "Possibly Damaging"; Align-GVGD: "Class C0"). In summary, the available evidence is currently insufficient to determine the role of this variant in disease. Therefore, it has been classified as a Variant of Uncertain Significance.

NM_015488.5(PNKD):c.770T>C (p.Leu257Pro)

Genes: CATIP-AS2 (CATIP antisense RNA 2; minus strand), PNKD (PNKD metallo-beta-lactamase domain containing; plus strand). Cytogenetic location: 2q35.
Variant type: single nucleotide variant.
Coding change: c.770T>C on transcript NM_015488.5 (MANE Select); coding-DNA position 770, T replaced by C.
Protein change: p.Leu257Pro; replaces leucine 257 with proline.
Molecular consequence: missense variant.
Genome position (GRCh38, 1-based): chr2:218,342,133, T>C. VCF-style: chr2-218342133-T-C. GRCh37 (hg19) VCF-style: chr2-219206856-T-C.
Other names: c.698T>C, p.Leu233Pro (NM_022572.5); short protein forms L233P, L257P.
Identifiers: ClinVar variation 2007879 (VCV002007879.4), dbSNP rs2469468157, ClinGen allele CA350541497.